The following is an entry in ClinVar:

ClinVar aggregate classification (germline): Uncertain significance (1 of 4 stars; one submission).

Conditions:
Congenital myasthenic syndrome 8. Also called: Myasthenic syndrome, congenital, 8, with pre- and postsynaptic defects; MYASTHENIC SYNDROME, CONGENITAL, DUE TO AGRIN DEFICIENCY. Identifiers: Orphanet 590, MedGen C3808739, MONDO:0014052, OMIM 615120.

Allele frequency attached by ClinVar (database versions not stated): gnomAD exomes 0.00001; gnomAD 0.00003; ExAC 0.00002; TOPMed 0.00004; ESP Exome Variant Server 0.00015.
gnomAD v4.1: 8 of 1,609,926 alleles (0.0005%); highest among the groups gnomAD compares: African/African-American, 0.0094%; no homozygotes.

Submission:

Labcorp Genetics (formerly Invitae), Labcorp
Classification: Uncertain significance for Congenital myasthenic syndrome 8. Last evaluated: 2022-03-03. Review status: criteria provided, single submitter. Criteria: Invitae Variant Classification Sherloc (09022015). Collection method: clinical testing. Allele origin: germline.
Comment: This sequence change replaces glutamic acid, which is acidic and polar, with alanine, which is neutral and non-polar, at codon 150 of the AGRN protein (p.Glu150Ala). In summary, the available evidence is currently insufficient to determine the role of this variant in disease. Therefore, it has been classified as a Variant of Uncertain Significance. Algorithms developed to predict the effect of missense changes on protein structure and function are either unavailable or do not agree on the potential impact of this missense change (SIFT: "Deleterious"; PolyPhen-2: "Benign"; Align-GVGD: "Class C0"). ClinVar contains an entry for this variant (Variation ID: 958805). This variant has not been reported in the literature in individuals affected with AGRN-related conditions. This variant is present in population databases (rs149363091, gnomAD 0.01%).

NM_198576.4(AGRN):c.449A>C (p.Glu150Ala)

Genes: AGRN (agrin; plus strand), LOC126805576 (P300/CBP strongly-dependent group 1 enhancer GRCh37_chr1:956772-957971; plus strand). Cytogenetic location: 1p36.33.
Variant type: single nucleotide variant.
Coding change: c.449A>C on transcript NM_198576.4 (MANE Select); coding-DNA position 449, A replaced by C.
Protein change: p.Glu150Ala; replaces glutamic acid 150 with alanine.
Molecular consequence: missense variant.
Genome position (GRCh38, 1-based): chr1:1,022,448, A>C. VCF-style: chr1-1022448-A-C. GRCh37 (hg19) VCF-style: chr1-957828-A-C.
Other names: c.449A>C, p.Glu150Ala (NM_001305275.2); short protein forms E150A.
Identifiers: ClinVar variation 958805 (VCV000958805.8), dbSNP rs149363091, ClinGen allele CA501146.